The following is an entry in ClinVar:

ClinVar aggregate classification (germline): Likely benign (1 of 4 stars; one submission).

Conditions:
SIM1-related disorder. Also called: SIM1-related condition; SIM1-related disorders.

Submission:

PreventionGenetics, part of Exact Sciences
Classification: Likely benign for SIM1-related condition. Last evaluated: 2026-06-16. Review status: criteria provided, single submitter. Criteria: ACMG Guidelines, 2015. Collection method: clinical testing. Allele origin: germline.
Comment: This variant is classified as likely benign based on ACMG/AMP sequence variant interpretation guidelines (Richards et al. 2015 PMID: 25741868, with internal and published modifications).

NM_005068.3(SIM1):c.183C>G (p.Gly61=)

Gene: SIM1 (SIM bHLH transcription factor 1; minus strand). Cytogenetic location: 6q16.3.
Variant type: single nucleotide variant.
Coding change: c.183C>G on transcript NM_005068.3 (MANE Select); coding-DNA position 183, C replaced by G.
Protein change: p.Gly61=; no amino-acid change (glycine 61 retained).
Molecular consequence: synonymous variant.
Genome position (GRCh38, 1-based): chr6:100,453,837, G>C on the plus strand (C>G on the coding strand, the complement: SIM1 is on the minus strand). VCF-style: chr6-100453837-G-C. GRCh37 (hg19) VCF-style: chr6-100901713-G-C.
Other names: c.183C>G, p.Gly61= (NM_001374769.1).
Identifiers: ClinVar variation 4978955 (VCV004978955.1).